The following is an entry in ClinVar:

ClinVar aggregate classification (germline): Conflicting classifications of pathogenicity. Review status: criteria provided, conflicting classifications (1 of 4 stars). 2 submissions from 2 submitters: Uncertain significance (1); Likely benign (1). Last evaluated 2023-03-17.

Submissions (2):

Labcorp Genetics (formerly Invitae), Labcorp
Classification: Likely benign. Last evaluated: 2023-03-17. Review status: criteria provided, single submitter. Criteria: Invitae Variant Classification Sherloc (09022015). Collection method: clinical testing. Allele origin: germline.

GeneDx
Classification: Uncertain significance. Last evaluated: 2021-12-21. Review status: criteria provided, single submitter. Criteria: GeneDx Variant Classification Process June 2021. Collection method: clinical testing. Allele origin: germline. Affected: yes.
Comment: Not observed at significant frequency in large population cohorts (gnomAD); Has not been previously published as pathogenic or benign to our knowledge; In-silico analysis is inconclusive as to whether the variant alters gene splicing. In the absence of RNA/functional studies, the actual effect of this sequence change is unknown.

NM_194248.3(OTOF):c.2436G>A (p.Leu812=)

Gene: OTOF (otoferlin; minus strand). Cytogenetic location: 2p23.3.
Variant type: single nucleotide variant.
Coding change: c.2436G>A on transcript NM_194248.3 (MANE Select); coding-DNA position 2436, G replaced by A.
Protein change: p.Leu812=; no amino-acid change (leucine 812 retained).
Molecular consequence: synonymous variant.
Genome position (GRCh38, 1-based): chr2:26,477,259, C>T on the plus strand (G>A on the coding strand, the complement: OTOF is on the minus strand). VCF-style: chr2-26477259-C-T. GRCh37 (hg19) VCF-style: chr2-26700127-C-T.
Other names: c.2436G>A, p.Leu812= (NM_001287489.2); c.195G>A, p.Leu65= (NM_004802.4, NM_194323.3); c.366G>A, p.Leu122= (NM_194322.3).
Identifiers: ClinVar variation 1693060 (VCV001693060.5), dbSNP rs2148051340, ClinGen allele CA425359953.